The following is an entry in ClinVar:

NM_003128.3(SPTBN1):c.6920C>A (p.Ser2307Tyr)

Genes: SPTBN1 (spectrin beta, non-erythrocytic 1; plus strand), SPTBN1-AS2 (SPTBN1 antisense RNA 2; minus strand). Cytogenetic location: 2p16.2.
Variant type: single nucleotide variant.
Coding change: c.6920C>A on transcript NM_003128.3 (MANE Select); coding-DNA position 6920, C replaced by A.
Protein change: p.Ser2307Tyr; replaces serine 2307 with tyrosine.
Molecular consequence: missense variant.
Genome position (GRCh38, 1-based): chr2:54,668,394, C>A. VCF-style: chr2-54668394-C-A. GRCh37 (hg19) VCF-style: chr2-54895531-C-A.
Other names: short protein forms S2307Y.
Identifiers: ClinVar variation 2637518 (VCV002637518.1), dbSNP rs749303998, ClinGen allele CA1661885.

ClinVar aggregate classification (germline): Uncertain significance (1 of 4 stars; one submission).

Allele frequency attached by ClinVar (database versions not stated): gnomAD exomes below 0.00001; ExAC 0.00001; gnomAD 0.00002; TOPMed 0.00002.
gnomAD v4.1: 5 of 1,614,034 alleles (0.00031%); highest among the groups gnomAD compares: African/African-American, 0.0027%; no homozygotes.

Submission:

Women's Health and Genetics/Laboratory Corporation of America, LabCorp
Classification: Uncertain significance. Last evaluated: 2023-10-27. Review status: criteria provided, single submitter. Criteria: LabCorp Variant Classification Summary - May 2015. Collection method: clinical testing. Allele origin: germline.
Comment: Variant summary: SPTBN1 c.6920C>A (p.Ser2307Tyr) results in a non-conservative amino acid change located in the Pleckstrin homology domain (IPR001849) of the encoded protein sequence. Four of five in-silico tools predict a damaging effect of the variant on protein function. The variant allele was found at a frequency of 4e-06 in 251426 control chromosomes. The available data on variant occurrences in the general population are insufficient to allow any conclusion about variant significance. To our knowledge, no occurrence of c.6920C>A in individuals affected with Developmental Delay, Impaired Speech, And Behavioral Abnormalities and no experimental evidence demonstrating its impact on protein function have been reported. No submitters have cited clinical-significance assessments for this variant to ClinVar after 2014. Based on the evidence outlined above, the variant was classified as uncertain significance.